The following is an entry in ClinVar:

ClinVar aggregate classification (germline): Likely pathogenic (1 of 4 stars; one submission).

Conditions:
VPS13A-related neurodegenerative disease. Also called: VPS13A Disease; LEVINE-CRITCHLEY SYNDROME; ACANTHOCYTOSIS WITH NEUROLOGIC DISORDER; Choreaacanthocytosis; Choreoacanthocytosis; Chorea-acanthocytosis. Identifiers: Orphanet 2388, MedGen C0393576, MONDO:0008695, OMIM 200150.

Submission:

Department of Cell and Molecular Biology, Manipal School of Life Sciences, Manipal Academy of Higher Education
Classification: Likely pathogenic for VPS13A-related neurodegenerative disease. Review status: criteria provided, single submitter. Criteria: ACMG Guidelines, 2015. Collection method: research. Allele origin: unknown. Affected: yes. Observed: 1 homozygote.
Comment: The sequence change replace conserved hydrophobic methionine with hydrophilic arginine residue at 3088 codon of VPS13A. The identified variant is absent in population database and has not been reported in the literature in individuals affected with VPS13A-related conditions. Various computational tools for pathogenicity prediction suggest deleterious effect of the variant on protein function. The novel mutation, p.M3088R, is located at the C-terminus of VPS13A and is important for mitochondria localization. In-silico proteomic analysis and molecular docking to evaluate the effect of mutation on the interaction with mitochondrial outer membrane protein, TOMM40, suggests loss of interaction due to the mutant residue. Patient phenotype is highly specific to choreoacanthocytosis where mutation in VPS13A is known genetic etiology.

NM_033305.3(VPS13A):c.9263T>G (p.Met3088Arg)

Gene: VPS13A (vacuolar protein sorting 13 homolog A; plus strand). Cytogenetic location: 9q21.2.
Variant type: single nucleotide variant.
Coding change: c.9263T>G on transcript NM_033305.3 (MANE Select); coding-DNA position 9263, T replaced by G.
Protein change: p.Met3088Arg; replaces methionine 3088 with arginine.
Genome position (GRCh38, 1-based): chr9:77,403,309, T>G. VCF-style: chr9-77403309-T-G. GRCh37 (hg19) VCF-style: chr9-80018225-T-G.
Other names: c.9146T>G, p.Met3049Arg (NM_001018037.2); short protein forms M3049R, M3088R.
Identifiers: ClinVar variation 1691820 (VCV001691820.2), dbSNP rs2538311239, ClinGen allele CA373853971.